The following is an entry in ClinVar:

ClinVar aggregate classification (germline): Likely benign. Review status: criteria provided, multiple submitters, no conflicts (2 of 4 stars). 2 submissions from 2 submitters: Likely benign (2). Last evaluated 2024-07-25.

Allele frequency attached by ClinVar (database versions not stated): ExAC 0.00001; gnomAD exomes 0.00002; gnomAD 0.00023; TOPMed 0.00065.
gnomAD v4.1: 80 of 1,609,568 alleles (0.005%); highest among the groups gnomAD compares: Admixed American, 0.11%; 1 homozygote.

Submissions (2):

Labcorp Genetics (formerly Invitae), Labcorp
Classification: Likely benign. Last evaluated: 2024-07-25. Review status: criteria provided, single submitter. Criteria: Invitae Variant Classification Sherloc (09022015). Collection method: clinical testing. Allele origin: germline.

Women's Health and Genetics/Laboratory Corporation of America, LabCorp
Classification: Likely benign. Last evaluated: 2023-09-19. Review status: criteria provided, single submitter. Criteria: LabCorp Variant Classification Summary - May 2015. Collection method: clinical testing. Allele origin: germline.
Comment: Variant summary: APPL1 c.863+19T>C alters a non-conserved nucleotide located at a position not widely known to affect splicing. Consensus agreement among computation tools predict no significant impact on normal splicing. However, these predictions have yet to be confirmed by functional studies. The variant allele was found at a frequency of 2e-05 in 248310 control chromosomes. The available data on variant occurrences in the general population are insufficient to allow any conclusion about variant significance. To our knowledge, no occurrence of c.863+19T>C in individuals affected with Maturity-Onset Diabetes Of The Young Type 14 and no experimental evidence demonstrating its impact on protein function have been reported. No submitters have cited clinical-significance assessments for this variant to ClinVar after 2014. Based on the evidence outlined above, the variant was classified as likely benign.

NM_012096.3(APPL1):c.863+19T>C

Gene: APPL1 (adaptor protein, phosphotyrosine interacting with PH domain and leucine zipper 1; plus strand). Cytogenetic location: 3p14.3.
Variant type: single nucleotide variant.
Coding change: c.863+19T>C on transcript NM_012096.3 (MANE Select); 19 bases into the intron after coding-DNA position 863, T replaced by C.
Molecular consequence: intron variant.
Genome position (GRCh38, 1-based): chr3:57,248,370, T>C. VCF-style: chr3-57248370-T-C. GRCh37 (hg19) VCF-style: chr3-57282398-T-C.
Identifiers: ClinVar variation 2627279 (VCV002627279.3), dbSNP rs778761278, ClinGen allele CA2463631.
Genomic context (GRCh38, chr3:57,248,370, plus strand): 5'-TCGAAATTTAACCCGAAAGGCTGGATACCTTAATGCTAGGAAGTAAGAAAACTATTGTTA[T>C]TTTTGTATATTGTGTATCATGTAAGACAATACCAAATGAATATAGTAAATAATTGATGTC-3'